The following is an entry in ClinVar:

NM_001374259.2(IL12RB2):c.1310T>C (p.Ile437Thr)

Gene: IL12RB2 (interleukin 12 receptor subunit beta 2; plus strand). Cytogenetic location: 1p31.3.
Variant type: single nucleotide variant.
Coding change: c.1310T>C on transcript NM_001374259.2 (MANE Select); coding-DNA position 1310, T replaced by C.
Protein change: p.Ile437Thr; replaces isoleucine 437 with threonine.
Molecular consequence: missense variant. On other transcripts: non-coding transcript variant (2).
Genome position (GRCh38, 1-based): chr1:67,367,876, T>C. VCF-style: chr1-67367876-T-C. GRCh37 (hg19) VCF-style: chr1-67833559-T-C.
Other names: c.1310T>C, p.Ile437Thr (NM_001258214.1, NM_001258215.1, NM_001258216.1 and 2 more transcripts); short protein forms I437T.
Identifiers: ClinVar variation 1895768 (VCV001895768.5), dbSNP rs2523216109, ClinGen allele CA340737964.

ClinVar aggregate classification (germline): Uncertain significance (1 of 4 stars; one submission).

Submission:

Labcorp Genetics (formerly Invitae), Labcorp
Classification: Uncertain significance. Last evaluated: 2022-08-16. Review status: criteria provided, single submitter. Criteria: Invitae Variant Classification Sherloc (09022015). Collection method: clinical testing. Allele origin: germline.
Comment: In summary, the available evidence is currently insufficient to determine the role of this variant in disease. Therefore, it has been classified as a Variant of Uncertain Significance. Algorithms developed to predict the effect of missense changes on protein structure and function are either unavailable or do not agree on the potential impact of this missense change (SIFT: "Tolerated"; PolyPhen-2: "Probably Damaging"; Align-GVGD: "Class C0"). This variant has not been reported in the literature in individuals affected with IL12RB2-related conditions. This variant is not present in population databases (gnomAD no frequency). This sequence change replaces isoleucine, which is neutral and non-polar, with threonine, which is neutral and polar, at codon 437 of the IL12RB2 protein (p.Ile437Thr).